The following is an entry in ClinVar:

ClinVar aggregate classification (germline): Uncertain significance (1 of 4 stars; one submission).

gnomAD v4.1: 2 of 1,610,752 alleles (0.00012%); highest among the groups gnomAD compares: Non-Finnish European, 0.00017%; no homozygotes.

Submission:

Ambry Genetics
Classification: Uncertain significance. Last evaluated: 2025-01-01. Review status: criteria provided, single submitter. Criteria: Ambry Variant Classification Scheme 2023. Collection method: clinical testing. Allele origin: germline.
Comment: The p.P308A variant (also known as c.922C>G), located in coding exon 5 of the GALNT12 gene, results from a C to G substitution at nucleotide position 922. The proline at codon 308 is replaced by alanine, an amino acid with highly similar properties. This amino acid position is conserved. In addition, this alteration is predicted to be deleterious by in silico analysis. Based on the available evidence, the clinical significance of this variant remains unclear.

NM_024642.5(GALNT12):c.922C>G (p.Pro308Ala)

Gene: GALNT12 (polypeptide N-acetylgalactosaminyltransferase 12; plus strand). Cytogenetic location: 9q22.33.
Variant type: single nucleotide variant.
Coding change: c.922C>G on transcript NM_024642.5 (MANE Select); coding-DNA position 922, C replaced by G.
Protein change: p.Pro308Ala; replaces proline 308 with alanine.
Molecular consequence: missense variant.
Genome position (GRCh38, 1-based): chr9:98,835,253, C>G. VCF-style: chr9-98835253-C-G. GRCh37 (hg19) VCF-style: chr9-101597535-C-G.
Other names: short protein forms P308A.
Identifiers: ClinVar variation 3852661 (VCV003852661.1).